The following is an entry in ClinVar:

NM_003978.5(PSTPIP1):c.214T>C (p.Ser72Pro)

Gene: PSTPIP1 (proline-serine-threonine phosphatase interacting protein 1; plus strand). Cytogenetic location: 15q24.3.
Variant type: single nucleotide variant.
Coding change: c.214T>C on transcript NM_003978.5 (MANE Select); coding-DNA position 214, T replaced by C.
Protein change: p.Ser72Pro; replaces serine 72 with proline.
Molecular consequence: missense variant. On other transcripts: non-coding transcript variant (1).
Genome position (GRCh38, 1-based): chr15:77,025,285, T>C. VCF-style: chr15-77025285-T-C. GRCh37 (hg19) VCF-style: chr15-77317626-T-C.
Other names: p.Ser72Pro; c.214T>C, p.Ser72Pro (NM_001321135.2); c.187T>C, p.Ser63Pro (NM_001321136.2); c.409T>C, p.Ser137Pro (NM_001321137.1); short protein forms S63P, S72P, S137P.
Identifiers: ClinVar variation 1431833 (VCV001431833.9), dbSNP rs866295227, ClinGen allele CA273751763.

ClinVar aggregate classification (germline): Uncertain significance. Review status: criteria provided, multiple submitters, no conflicts (2 of 4 stars). 2 submissions from 2 submitters: Uncertain significance (2). Last evaluated 2025-10-23.

Conditions:
Pyogenic arthritis-pyoderma gangrenosum-acne syndrome (PAPA). Also called: PAPA SYNDROME; FAMILIAL RECURRENT ARTHRITIS. Identifiers: Orphanet 69126, MedGen C1858361, MONDO:0011462, OMIM 604416.

Allele frequency attached by ClinVar (database versions not stated): gnomAD exomes below 0.00001; TOPMed 0.00002; gnomAD 0.00003 and 0.00004.
gnomAD v4.1: 12 of 1,610,228 alleles (0.00075%); highest among the groups gnomAD compares: African/African-American, 0.008%; no homozygotes.

Submissions (2):

Mayo Clinic Laboratories, Mayo Clinic
Classification: Uncertain significance. Last evaluated: 2025-10-23. Review status: criteria provided, single submitter. Criteria: ACMG Guidelines, 2015. Collection method: clinical testing. Allele origin: germline. Observed: 1 variant allele.
Comment: BP4, PM2_supporting

Labcorp Genetics (formerly Invitae), Labcorp
Classification: Uncertain significance for Pyogenic arthritis-pyoderma gangrenosum-acne syndrome. Last evaluated: 2023-03-04. Review status: criteria provided, single submitter. Criteria: Invitae Variant Classification Sherloc (09022015). Collection method: clinical testing. Allele origin: germline.
Comment: In summary, the available evidence is currently insufficient to determine the role of this variant in disease. Therefore, it has been classified as a Variant of Uncertain Significance. An algorithm developed to predict the effect of missense changes on protein structure and function (PolyPhen-2) suggests that this variant is likely to be tolerated. ClinVar contains an entry for this variant (Variation ID: 1431833). This variant has not been reported in the literature in individuals affected with PSTPIP1-related conditions. This variant is present in population databases (no rsID available, gnomAD 0.003%). This sequence change replaces serine, which is neutral and polar, with proline, which is neutral and non-polar, at codon 72 of the PSTPIP1 protein (p.Ser72Pro).